The following is an entry in ClinVar:

NM_002474.3(MYH11):c.1680C>T (p.His560=)

Gene: MYH11 (myosin heavy chain 11; minus strand). Cytogenetic location: 16p13.11.
Variant type: single nucleotide variant.
Coding change: c.1680C>T on transcript NM_002474.3 (MANE Select); coding-DNA position 1680, C replaced by T.
Protein change: p.His560=; no amino-acid change (histidine 560 retained).
Molecular consequence: synonymous variant.
Genome position (GRCh38, 1-based): chr16:15,756,410, G>A on the plus strand (C>T on the coding strand, the complement: MYH11 is on the minus strand). VCF-style: chr16-15756410-G-A. GRCh37 (hg19) VCF-style: chr16-15850267-G-A.
Other names: c.1701C>T, p.His567= (NM_001040113.2, NM_001040114.2); c.1680C>T, p.His560= (NM_022844.3).
Identifiers: ClinVar variation 263847 (VCV000263847.12), dbSNP rs886038947, ClinGen allele CA10587894.

ClinVar aggregate classification (germline): Likely benign. Review status: criteria provided, multiple submitters, no conflicts (2 of 4 stars). 4 submissions from 4 submitters: Likely benign (4). Last evaluated 2024-11-11.

Conditions:
Cardiovascular phenotype. Identifiers: MedGen CN230736.
Familial thoracic aortic aneurysm and aortic dissection (TAAD). Also called: Thoracic aortic aneurysms and dissections. Identifiers: Orphanet 91387, MedGen C4707243, MONDO:0019625.
Aortic aneurysm, familial thoracic 4 (AAT4). Also called: AORTIC ANEURYSM/AORTIC DISSECTION AND PATENT DUCTUS ARTERIOSUS. Identifiers: MedGen C1851504, MONDO:0007568, OMIM 132900.

Allele frequency attached by ClinVar (database versions not stated): gnomAD 0.00001; gnomAD exomes 0.00001; TOPMed 0.00001.
gnomAD v4.1: 15 of 1,614,040 alleles (0.00093%); highest among the groups gnomAD compares: Non-Finnish European, 0.0013%; no homozygotes.

Submissions (4):

Labcorp Genetics (formerly Invitae), Labcorp
Classification: Likely benign for Aortic aneurysm, familial thoracic 4. Last evaluated: 2024-11-11. Review status: criteria provided, single submitter. Criteria: Invitae Variant Classification Sherloc (09022015). Collection method: clinical testing. Allele origin: germline.

All of Us Research Program, National Institutes of Health
Classification: Likely benign for Familial thoracic aortic aneurysm and aortic dissection. Last evaluated: 2024-04-16. Review status: criteria provided, single submitter. Criteria: ACMG Guidelines, 2015. Collection method: clinical testing. Allele origin: germline. Inheritance: Autosomal dominant inheritance. Observed: 1 variant allele, 1 heterozygote.
Comment: This study involves interpretation of variants in research participants for the purpose of population health screening. Participant phenotype was not available at the time of variant classification. Additional details can be found in publication PMID: 35346344, PMCID: PMC8962531

Color Diagnostics, LLC DBA Color Health
Classification: Likely benign for Familial thoracic aortic aneurysm and aortic dissection. Last evaluated: 2024-03-28. Review status: criteria provided, single submitter. Criteria: ACMG Guidelines, 2015. Collection method: clinical testing. Allele origin: germline.

Ambry Genetics
Classification: Likely benign for Cardiovascular phenotype. Last evaluated: 2014-08-22. Review status: criteria provided, single submitter. Criteria: Ambry Autosomal Dominant and X-Linked criteria (10/2015). Collection method: clinical testing. Allele origin: germline. Observed: 1 variant allele.